The following is an entry in ClinVar:

ClinVar aggregate classification (germline): Uncertain significance (1 of 4 stars; one submission).

Allele frequency attached by ClinVar (database versions not stated): gnomAD exomes below 0.00001; ExAC 0.00001.
gnomAD v4.1: 4 of 1,584,648 alleles (0.00025%); highest among the groups gnomAD compares: South Asian, 0.0046%; no homozygotes.

Submission:

Ambry Genetics
Classification: Uncertain significance. Last evaluated: 2024-03-08. Review status: criteria provided, single submitter. Criteria: Ambry Variant Classification Scheme 2023. Collection method: clinical testing. Allele origin: germline.
Comment: The p.K950E variant (also known as c.2848A>G), located in coding exon 16 of the POLQ gene, results from an A to G substitution at nucleotide position 2848. The lysine at codon 950 is replaced by glutamic acid, an amino acid with similar properties. This amino acid position is conserved. In addition, this alteration is predicted to be tolerated by in silico analysis. Based on the available evidence, the clinical significance of this alteration remains unclear.

NM_199420.4(POLQ):c.2848A>G (p.Lys950Glu)

Gene: POLQ (DNA polymerase theta; minus strand). Cytogenetic location: 3q13.33.
Variant type: single nucleotide variant.
Coding change: c.2848A>G on transcript NM_199420.4 (MANE Select); coding-DNA position 2848, A replaced by G.
Protein change: p.Lys950Glu; replaces lysine 950 with glutamic acid.
Molecular consequence: missense variant.
Genome position (GRCh38, 1-based): chr3:121,490,083, T>C on the plus strand (A>G on the coding strand, the complement: POLQ is on the minus strand). VCF-style: chr3-121490083-T-C. GRCh37 (hg19) VCF-style: chr3-121208930-T-C.
Other names: short protein forms K950E.
Identifiers: ClinVar variation 3229900 (VCV003229900.1), dbSNP rs751712973, ClinGen allele CA2563174.
Genomic context (GRCh38, chr3:121,490,083, plus strand): 5'-TAAAGGAACTTGTATGCTCTCTACTTTTATTTAAGTCTTGCACTATATTTGGTGAATGCT[T>C]AATATAAGAATCACTAAATATTGTGTTACTTTTGTTCTTTGATGTTAATTTTTTATAAGA-3'
Protein context (NP_955452.3, residues 940-960): SNTIFSDSYI[Lys950Glu]HSPNIVQDLN